The following is an entry in ClinVar:

NM_001267550.2(TTN):c.51649G>T (p.Glu17217Ter)

Genes: TTN (titin; minus strand), TTN-AS1 (TTN antisense RNA 1; plus strand). Cytogenetic location: 2q31.2.
Variant type: single nucleotide variant.
Coding change: c.51649G>T on transcript NM_001267550.2 (MANE Select); coding-DNA position 51649, G replaced by T.
Protein change: p.Glu17217Ter; replaces glutamic acid 17217 with a stop codon.
Molecular consequence: nonsense.
Genome position (GRCh38, 1-based): chr2:178,609,774, C>A on the plus strand (G>T on the coding strand, the complement: TTN is on the minus strand). VCF-style: chr2-178609774-C-A. GRCh37 (hg19) VCF-style: chr2-179474501-C-A.
Other names: c.46726G>T, p.Glu15576Ter (NM_001256850.1); c.24454G>T, p.Glu8152Ter (NM_003319.4); c.43945G>T, p.Glu14649Ter (NM_133378.4); c.24829G>T, p.Glu8277Ter (NM_133432.3); c.25030G>T, p.Glu8344Ter (NM_133437.4); c.51649G>T (NM_001267550.1); short protein forms E17217*, E14649*, E8152*, E8344*, E15576*, E8277*.
Identifiers: ClinVar variation 573857 (VCV000573857.13), dbSNP rs1060500503, ClinGen allele CA349583499.

ClinVar aggregate classification (germline): Likely pathogenic. Review status: criteria provided, multiple submitters, no conflicts (2 of 4 stars). 4 submissions from 4 submitters: Likely pathogenic (4). Last evaluated 2025-11-26.

Conditions:
Autosomal recessive limb-girdle muscular dystrophy type 2J (LGMDR10). Also called: MUSCULAR DYSTROPHY, LIMB-GIRDLE, AUTOSOMAL RECESSIVE 10; Limb-girdle muscular dystrophy, type 2J. Identifiers: Orphanet 140922, MedGen C1837342, MONDO:0012127, OMIM 608807.
Dilated cardiomyopathy 1G (CMD1G). Identifiers: Orphanet 154, MedGen C1858763, MONDO:0011400, OMIM 604145.
Hypertrophic cardiomyopathy 9. Also called: Familial hypertrophic cardiomyopathy 9. Identifiers: MedGen C1861065, MONDO:0013412, OMIM 613765.
Tibial muscular dystrophy (TMD). Also called: Tibial muscular dystrophy, tardive; Udd Distal Myopathy – Tibial Muscular Dystrophy; UDD MYOPATHY. Identifiers: Orphanet 609, MedGen C1838244, MONDO:0010870, OMIM 600334.
Early-onset myopathy with fatal cardiomyopathy (CMYO5). Also called: CONGENITAL MYOPATHY 5 WITH CARDIOMYOPATHY; Salih Myopathy. Identifiers: Orphanet 289377, MedGen C2673677, MONDO:0012714, OMIM 611705. Disease mechanism: loss of function.
Myopathy, myofibrillar, 9, with early respiratory failure (MFM9). Also called: Myopathy, distal, with early respiratory failure, autosomal dominant; Hereditary myopathy with early respiratory failure; EDSTROM MYOPATHY; MYOPATHY, PROXIMAL, WITH EARLY RESPIRATORY MUSCLE INVOLVEMENT. Identifiers: Orphanet 178464, Orphanet 34521, MedGen C1863599, MONDO:0011362, OMIM 603689.

gnomAD v4.1: 3 of 1,612,904 alleles (0.00019%); highest among the groups gnomAD compares: Non-Finnish European, 0.00025%; no homozygotes.

Submissions (4):

Labcorp Genetics (formerly Invitae), Labcorp
Classification: Likely pathogenic for Dilated cardiomyopathy 1G; Autosomal recessive limb-girdle muscular dystrophy type 2J. Last evaluated: 2025-11-26. Review status: criteria provided, single submitter. Criteria: Invitae Variant Classification Sherloc (09022015). Collection method: clinical testing. Allele origin: germline.
Comment: This sequence change creates a premature translational stop signal (p.Glu17217*) in the TTN gene. While this is not anticipated to result in nonsense mediated decay, it is expected to create a truncated TTN protein. This variant is not present in population databases (gnomAD no frequency). This premature translational stop signal has been observed in individual(s) with dilated cardiomyopathy (PMID: 39472908). ClinVar contains an entry for this variant (Variation ID: 573857). This variant is located in the A band of TTN (PMID: 25589632). Truncating variants in this region are significantly overrepresented in patients affected with dilated cardiomyopathy (PMID: 25589632). Truncating variants in this region have also been reported in individuals affected with autosomal recessive centronuclear myopathy (PMID: 23975875). In summary, the currently available evidence indicates that the variant is pathogenic, but additional data are needed to prove that conclusively. Therefore, this variant has been classified as Likely Pathogenic.

GeneDx
Classification: Likely pathogenic. Last evaluated: 2024-08-29. Review status: criteria provided, single submitter. Criteria: GeneDx Variant Classification Process June 2021. Collection method: clinical testing. Allele origin: germline. Affected: yes.
Comment: Has not been previously published as pathogenic or benign to our knowledge; Not observed at significant frequency in large population cohorts (gnomAD); Located in the A-band region of TTN in which the majority of loss of function variants have been associated with autosomal dominant titinopathies (PMID: 22335739); Nonsense variant predicted to result in protein truncation or nonsense mediated decay in a gene for which loss of function is a known mechanism of disease; This variant is associated with the following publications: (PMID: 22335739)

AiLife Diagnostics
Classification: Likely pathogenic. Last evaluated: 2021-12-03. Review status: criteria provided, single submitter. Criteria: ACMG Guidelines, 2015. Collection method: clinical testing. Allele origin: germline. Affected: yes. Observed: 2 variant alleles.

Fulgent Genetics
Classification: Likely pathogenic for Tibial muscular dystrophy; Myopathy, myofibrillar, 9, with early respiratory failure; Dilated cardiomyopathy 1G; Autosomal recessive limb-girdle muscular dystrophy type 2J; Early-onset myopathy with fatal cardiomyopathy; Hypertrophic cardiomyopathy 9. Last evaluated: 2021-07-22. Review status: criteria provided, single submitter. Criteria: ACMG Guidelines, 2015. Collection method: clinical testing. Allele origin: unknown.

Literature cited by the submitters: PubMed 39472908 (cited by Labcorp Genetics (formerly Invitae), Labcorp); PubMed 25589632 (cited by Labcorp Genetics (formerly Invitae), Labcorp); PubMed 23975875 (cited by Labcorp Genetics (formerly Invitae), Labcorp).